The following is an entry in ClinVar:

ClinVar aggregate classification (germline): Likely pathogenic (1 of 4 stars; one submission).

Conditions:
Usher syndrome type 2A. Also called: RETINAL DISEASE IN USHER SYNDROME TYPE IIA, MODIFIER OF; USHER SYNDROME, TYPE IIA. Identifiers: Orphanet 231178, Orphanet 886, MedGen C1848634, MONDO:0010169, OMIM 276901.

Submission:

Natera, Inc.
Classification: Likely pathogenic for Usher syndrome type 2A. Last evaluated: 2024-03-27. Review status: criteria provided, single submitter. Criteria: Natera Variant Classification Schema (03/2026). Collection method: clinical testing. Allele origin: germline.
Comment: The c.11449dupA variant in USH2A is a frameshift variant predicted to shift the reading frame beginning at codon 3817 and leads to a stop codon 25 codons downstream. This variant is expected to result in nonsense mediated decay, truncation, or a dysfunctional protein product. This variant is rare in the general population with a frequency below the threshold expected for the associated phenotype(s). Given the available evidence, this variant is classified as Likely Pathogenic.

NM_206933.4(USH2A):c.11449dup (p.Thr3817fs)

Gene: USH2A (usherin; minus strand). Cytogenetic location: 1q41.
Variant type: Duplication.
Coding change: c.11449dup on transcript NM_206933.4 (MANE Select); coding-DNA position 11449, one base duplicated (A; older notation c.11449dupA).
Protein change: p.Thr3817fs; shifts the reading frame from threonine 3817.
Molecular consequence: frameshift variant.
Genome position (GRCh38, 1-based): chr1:215,743,276, T duplicated on the plus strand (A on the coding strand, the reverse complement: USH2A is on the minus strand); the first of 2 consecutive T bases (chr1:215,743,276-215,743,277); duplicating either gives the same sequence. VCF-style (leftmost placement, unchanged base first): chr1-215743275-G-GT. GRCh37 (hg19) VCF-style: chr1-215916617-G-GT.
Other names: short protein forms T3817fs.
Identifiers: ClinVar variation 4817078 (VCV004817078.1).